The following is an entry in ClinVar:

ClinVar aggregate classification (germline): Uncertain significance (1 of 4 stars; one submission).

Conditions:
Polycystic kidney disease, adult type (PKD1). Also called: Polycystic Kidney, Autosomal Dominant; Polycystic Kidney Disease 1, Autosomal Dominant; Polycystic kidney disease 1; Polycystic kidney disease 1, severe; POLYCYSTIC KIDNEY DISEASE 1 WITH OR WITHOUT POLYCYSTIC LIVER DISEASE; POLYCYSTIC KIDNEY DISEASE, ADULT, TYPE I. Identifiers: MedGen C3149841, MONDO:0008263, OMIM 173900.

Submission:

MGZ Medical Genetics Center
Classification: Uncertain significance for Polycystic kidney disease, adult type. Last evaluated: 2022-06-23. Review status: criteria provided, single submitter. Criteria: ACMG Guidelines, 2015. Collection method: clinical testing. Allele origin: germline. Affected: yes. Observed: 1 variant allele.
Comment: ACMG criteria applied: PM2_SUP, PP3

NM_001009944.3(PKD1):c.9445A>C (p.Ser3149Arg)

Gene: PKD1 (polycystin 1, transient receptor potential channel interacting; minus strand). Cytogenetic location: 16p13.3.
Variant type: single nucleotide variant.
Coding change: c.9445A>C on transcript NM_001009944.3 (MANE Select); coding-DNA position 9445, A replaced by C.
Protein change: p.Ser3149Arg; replaces serine 3149 with arginine.
Molecular consequence: missense variant.
Genome position (GRCh38, 1-based): chr16:2,100,519, T>G on the plus strand (A>C on the coding strand, the complement: PKD1 is on the minus strand). VCF-style: chr16-2100519-T-G. GRCh37 (hg19) VCF-style: chr16-2150520-T-G.
Other names: c.9445A>C, p.Ser3149Arg (NM_000296.4); short protein forms S3149R.
Identifiers: ClinVar variation 1709579 (VCV001709579.2), dbSNP rs2544718506, ClinGen allele CA394356526.
Genomic context (GRCh38, chr16:2,100,519, plus strand): 5'-GGAAGATGTCCAGGCTGTTGCGGTGGAAGGCTCTGTCGCCGTCCAGGTGCCGGTGGCCGC[T>G]CCGGCTGTCCACCCCATACAGCATGATGCCCACGTGGGCCGTGGTACCTGGGAGGCAAGA-3'
Protein context (NP_001009944.3, residues 3139-3159): GIMLYGVDSR[Ser3149Arg]GHRHLDGDRA